The following is an entry in ClinVar:

NM_007294.4(BRCA1):c.548-11A>G

Gene: BRCA1 (BRCA1 DNA repair associated; minus strand). Cytogenetic location: 17q21.31.
Variant type: single nucleotide variant.
Coding change: c.548-11A>G on transcript NM_007294.4 (MANE Select); 11 bases into the intron before coding-DNA position 548, A replaced by G.
Molecular consequence: intron variant.
Genome position (GRCh38, 1-based): chr17:43,097,300, T>C on the plus strand (A>G on the coding strand, the complement: BRCA1 is on the minus strand). VCF-style: chr17-43097300-T-C. GRCh37 (hg19) VCF-style: chr17-41249317-T-C.
Other names: c.407-11A>G (NM_001408458.1, NM_001408469.1, NM_001408453.1 and 43 more transcripts); c.-218-2440A>G (NM_001407967.1, NM_001407966.1); c.167-11A>G (NM_001407959.1, NM_001408510.1, NM_001407963.1 and 1 more transcripts); c.404-2440A>G (NM_001407931.1, NM_001407932.1, NM_001408503.1 and 5 more transcripts); c.404-11A>G (NM_001407747.1, NM_001408470.1, NM_001407848.1 and 26 more transcripts); c.164-11A>G (NM_001407962.1); c.167-2440A>G (NM_001408512.1, NM_001407965.1); c.338-11A>G (NM_001407885.1, NM_001407886.1, NM_001407881.1 and 27 more transcripts); and 17 more.
Identifiers: ClinVar variation 2581296 (VCV002581296.2), dbSNP rs2552236109, ClinGen allele CA2580610732.
Genomic context (GRCh38, chr17:43,097,300, plus strand): 5'-TCACCTGCAATAAGTTGCCTTATTAACGGTATCTTCAGAAGAATCAGATCCTAAAAAATT[T>C]CCCCCCAAAAAATAAATCAATAAAAGTTTTCTTAATTAAAAGGGTTAAAAAAATGTACTT-3'

ClinVar aggregate classification (germline): Likely benign. Review status: criteria provided, multiple submitters, no conflicts (2 of 4 stars). 2 submissions from 2 submitters: Likely benign (2). Last evaluated 2026-01-19.

Conditions:
Hereditary breast ovarian cancer syndrome. Also called: Hereditary breast and/or ovarian cancer syndrome; Hereditary breast and ovarian cancer; Breast and ovarian cancer; Hereditary breast and ovarian cancer syndrome; Hereditary breast and ovarian cancer syndrome (HBOC); BRCA1- and BRCA2-Associated Hereditary Breast and Ovarian Cancer. Identifiers: Orphanet 145, MedGen C0677776, MeSH D061325, MONDO:0003582. Disease mechanism: loss of function.

Allele frequency attached by ClinVar (database versions not stated): gnomAD exomes below 0.00001.
gnomAD v4.1: 1 of 1,610,764 alleles (0.000062%); highest among the groups gnomAD compares: East Asian, 0.0022%; no homozygotes.

Submissions (2):

Labcorp Genetics (formerly Invitae), Labcorp
Classification: Likely benign for Hereditary breast ovarian cancer syndrome. Last evaluated: 2026-01-19. Review status: criteria provided, single submitter. Criteria: Invitae Variant Classification Sherloc (09022015). Collection method: clinical testing. Allele origin: germline.

Women's Health and Genetics/Laboratory Corporation of America, LabCorp
Classification: Likely benign. Last evaluated: 2023-08-22. Review status: criteria provided, single submitter. Criteria: LabCorp Variant Classification Summary - May 2015. Collection method: clinical testing. Allele origin: germline.
Comment: Variant summary: BRCA1 c.548-11A>G alters a nucleotide located at a position not widely known to affect splicing. 4/4 computational tools predict no significant impact on normal splicing. However, these predictions have yet to be confirmed by functional studies. The variant was absent in 250250 control chromosomes. The available data on variant occurrences in the general population are insufficient to allow any conclusion about variant significance. To our knowledge, no occurrence of c.548-11A>G in individuals affected with Hereditary Breast And Ovarian Cancer Syndrome and no experimental evidence demonstrating its impact on protein function have been reported. No submitters have cited clinical-significance assessments for this variant to ClinVar after 2014. Based on the evidence outlined above, the variant was classified as likely benign.